The following is an entry in ClinVar:

ClinVar aggregate classification (germline): Uncertain significance. Review status: reviewed by expert panel (3 of 4 stars). 4 submissions from 4 submitters: Uncertain significance (1). 3 of the submissions do not count toward it. Last evaluated 2024-07-11.

Conditions:
Hereditary thrombocytopenia and hematological cancer predisposition syndrome associated with RUNX1. Also called: PLATELET DISORDER, ASPIRIN-LIKE; Familial Platelet Disorder with Propensity to Acute Myelogenous Leukemia; Familial thrombocytopenia with propensity to acute myelogenous leukemia; RUNX1 Familial Platelet Disorder with Associated Myeloid Malignancies. Identifiers: Orphanet 71290, MedGen C1832388, MeSH C563324, MONDO:0100083, OMIM 601399.
Hereditary thrombocytopenia and hematologic cancer predisposition syndrome. Identifiers: Orphanet 71290, MedGen CN281654, MONDO:0011071.
Inborn genetic diseases. Identifiers: MedGen C0950123, MeSH D030342.

Allele frequency attached by ClinVar (database versions not stated): ExAC 0.00001; gnomAD 0.00001; gnomAD exomes 0.00001 and 0.00002; TOPMed 0.00001.
gnomAD v4.1: 26 of 1,613,330 alleles (0.0016%); highest among the groups gnomAD compares: Non-Finnish European, 0.002%; no homozygotes.

Submissions (4):

ClinGen Myeloid Malignancy Variant Curation Expert Panel
Classification: Uncertain significance for Hereditary thrombocytopenia and hematologic cancer predisposition syndrome. Last evaluated: 2024-07-11. Review status: reviewed by expert panel. Criteria: ClinGen MyeloMalig ACMG Specifications v2. Collection method: curation. Allele origin: germline. Inheritance: Autosomal dominant inheritance.
Comment: NM_001754.5(RUNX1): c.712G>A (p.Val238Ile) is a missense variant has a REVEL score < 0.50 (0.288) and a SpliceAI score ≤ 0.20 (0.03) (BP4). In summary, the clinical significance of this variant is uncertain. ACMG/AMP criteria applied, as specified by the Myeloid Malignancy Variant Curation Expert Panel for RUNX1: BP4.

Labcorp Genetics (formerly Invitae), Labcorp
Classification: Uncertain significance for Hereditary thrombocytopenia and hematological cancer predisposition syndrome associated with RUNX1. Last evaluated: 2025-10-23. Review status: criteria provided, single submitter. Criteria: Invitae Variant Classification Sherloc (09022015). Collection method: clinical testing. Allele origin: germline. Not counted in ClinVar's aggregate classification.
Comment: This sequence change replaces valine, which is neutral and non-polar, with isoleucine, which is neutral and non-polar, at codon 238 of the RUNX1 protein (p.Val238Ile). This variant is present in population databases (rs761086208, gnomAD 0.002%). This variant has not been reported in the literature in individuals affected with RUNX1-related conditions. ClinVar contains an entry for this variant (Variation ID: 464004). An algorithm developed to predict the effect of missense changes on protein structure and function outputs the following: PolyPhen-2: "Benign". The isoleucine amino acid residue is found in multiple mammalian species, which suggests that this missense change does not adversely affect protein function. In summary, the available evidence is currently insufficient to determine the role of this variant in disease. Therefore, it has been classified as a Variant of Uncertain Significance.

Ambry Genetics
Classification: Uncertain significance for Inborn genetic diseases. Last evaluated: 2024-12-04. Review status: criteria provided, single submitter. Criteria: Ambry Variant Classification Scheme 2023. Collection method: clinical testing. Allele origin: germline. Not counted in ClinVar's aggregate classification.
Comment: The p.V238I variant (also known as c.712G>A), located in coding exon 6 of the RUNX1 gene, results from a G to A substitution at nucleotide position 712. The valine at codon 238 is replaced by isoleucine, an amino acid with highly similar properties. This amino acid position is conserved. In addition, the in silico prediction for this alteration is inconclusive. Based on the available evidence, the clinical significance of this variant remains unclear.

GeneDx
Classification: Uncertain significance. Last evaluated: 2024-05-03. Review status: criteria provided, single submitter. Criteria: GeneDx Variant Classification Process June 2021. Collection method: clinical testing. Allele origin: germline. Affected: yes. Not counted in ClinVar's aggregate classification.
Comment: Not observed at significant frequency in large population cohorts (gnomAD); In silico analysis indicates that this missense variant does not alter protein structure/function; Has not been previously published as pathogenic or benign to our knowledge

NM_001754.5(RUNX1):c.712G>A (p.Val238Ile)

Gene: RUNX1 (RUNX family transcription factor 1; minus strand). Cytogenetic location: 21q22.12.
Variant type: single nucleotide variant.
Coding change: c.712G>A on transcript NM_001754.5 (MANE Select); coding-DNA position 712, G replaced by A.
Protein change: p.Val238Ile; replaces valine 238 with isoleucine.
Molecular consequence: missense variant.
Genome position (GRCh38, 1-based): chr21:34,834,503, C>T on the plus strand (G>A on the coding strand, the complement: RUNX1 is on the minus strand). VCF-style: chr21-34834503-C-T. GRCh37 (hg19) VCF-style: chr21-36206800-C-T.
Other names: NM_001754.5(RUNX1):c.712G>A; p.Val238Ile; c.631G>A, p.Val211Ile (NM_001001890.3, NM_001122607.2); short protein forms V238I, V211I.
Identifiers: ClinVar variation 464004 (VCV000464004.11), dbSNP rs761086208, ClinGen allele CA10014370.